The following is an entry in ClinVar:

NM_004840.3(ARHGEF6):c.1946-3C>T

Gene: ARHGEF6 (Rac/Cdc42 guanine nucleotide exchange factor 6; minus strand). Cytogenetic location: Xq26.3.
Variant type: single nucleotide variant.
Coding change: c.1946-3C>T on transcript NM_004840.3 (MANE Select); 3 bases into the intron before coding-DNA position 1946, C replaced by T.
Molecular consequence: intron variant.
Genome position (GRCh38, 1-based): chrX:136,675,099, G>A on the plus strand (C>T on the coding strand, the complement: ARHGEF6 is on the minus strand). VCF-style: chrX-136675099-G-A. GRCh37 (hg19) VCF-style: chrX-135757258-G-A.
Other names: c.1484-3C>T (NM_001306177.2).
Identifiers: ClinVar variation 514426 (VCV000514426.1), dbSNP rs755657383, ClinGen allele CA10528261.

ClinVar aggregate classification (germline): Likely benign (1 of 4 stars; one submission).

Allele frequency attached by ClinVar (database versions not stated): gnomAD exomes 0.00001; ExAC 0.00001; gnomAD 0.00001.
gnomAD v4.1: 14 of 1,202,248 alleles (0.0012%); highest among the groups gnomAD compares: South Asian, 0.0018%; no homozygotes.

Submission:

GeneDx
Classification: Likely benign. Last evaluated: 2018-01-10. Review status: criteria provided, single submitter. Criteria: GeneDx Variant Classification (06012015). Collection method: clinical testing. Allele origin: germline. Affected: yes.
Comment: This variant is considered likely benign or benign based on one or more of the following criteria: it is a conservative change, it occurs at a poorly conserved position in the protein, it is predicted to be benign by multiple in silico algorithms, and/or has population frequency not consistent with disease.